The following is an entry in ClinVar:

NM_020937.4(FANCM):c.3829A>G (p.Asn1277Asp)

Gene: FANCM (FA complementation group M; plus strand). Cytogenetic location: 14q21.2.
Variant type: single nucleotide variant.
Coding change: c.3829A>G on transcript NM_020937.4 (MANE Select); coding-DNA position 3829, A replaced by G.
Protein change: p.Asn1277Asp; replaces asparagine 1277 with aspartic acid.
Molecular consequence: missense variant.
Genome position (GRCh38, 1-based): chr14:45,176,583, A>G. VCF-style: chr14-45176583-A-G. GRCh37 (hg19) VCF-style: chr14-45645786-A-G.
Other names: c.3829A>G (NM_020937.2, NM_020937.3); c.3751A>G, p.Asn1251Asp (NM_001308133.2); short protein forms N1277D, N1251D.
Identifiers: ClinVar variation 1428347 (VCV001428347.13), dbSNP rs946862124, ClinGen allele CA259628537.

ClinVar aggregate classification (germline): Uncertain significance. Review status: criteria provided, multiple submitters, no conflicts (2 of 4 stars). 4 submissions from 4 submitters: Uncertain significance (4). Last evaluated 2025-05-29.

Conditions:
Inborn genetic diseases. Identifiers: MedGen C0950123, MeSH D030342.
Fanconi anemia (FA). Also called: Fanconi's anemia. Identifiers: Orphanet 84, MedGen C0015625, MeSH D005199, MONDO:0019391.

Allele frequency attached by ClinVar (database versions not stated): gnomAD exomes 0.00001; gnomAD 0.00007 and 0.00009; TOPMed 0.00008.
gnomAD v4.1: 23 of 1,604,914 alleles (0.0014%); highest among the groups gnomAD compares: African/African-American, 0.031%; no homozygotes.

Submissions (4):

Labcorp Genetics (formerly Invitae), Labcorp
Classification: Uncertain significance for Fanconi anemia. Last evaluated: 2025-05-29. Review status: criteria provided, single submitter. Criteria: Invitae Variant Classification Sherloc (09022015). Collection method: clinical testing. Allele origin: germline.
Comment: This sequence change replaces asparagine, which is neutral and polar, with aspartic acid, which is acidic and polar, at codon 1277 of the FANCM protein (p.Asn1277Asp). This variant is present in population databases (no rsID available, gnomAD 0.03%). This variant has not been reported in the literature in individuals affected with FANCM-related conditions. ClinVar contains an entry for this variant (Variation ID: 1428347). An algorithm developed to predict the effect of missense changes on protein structure and function outputs the following: PolyPhen-2: "Benign". The aspartic acid amino acid residue is found in multiple mammalian species, which suggests that this missense change does not adversely affect protein function. In summary, the available evidence is currently insufficient to determine the role of this variant in disease. Therefore, it has been classified as a Variant of Uncertain Significance.

GeneDx
Classification: Uncertain significance. Last evaluated: 2024-02-26. Review status: criteria provided, single submitter. Criteria: GeneDx Variant Classification Process June 2021. Collection method: clinical testing. Allele origin: germline. Affected: yes.
Comment: In silico analysis supports that this missense variant does not alter protein structure/function; Identified in an individual with colorectal cancer (PMID: 34326862); This variant is associated with the following publications: (PMID: 34326862)

Quest Diagnostics Nichols Institute San Juan Capistrano
Classification: Uncertain significance. Last evaluated: 2023-11-06. Review status: criteria provided, single submitter. Criteria: Quest Diagnostics criteria. Collection method: clinical testing. Allele origin: unknown.

Ambry Genetics
Classification: Uncertain significance for Inborn genetic diseases. Last evaluated: 2023-03-02. Review status: criteria provided, single submitter. Criteria: Ambry Variant Classification Scheme 2023. Collection method: clinical testing. Allele origin: germline.